The following is an entry in ClinVar:

ClinVar aggregate classification (germline): Uncertain significance (1 of 4 stars; one submission).

Conditions:
Arrhythmogenic right ventricular dysplasia 8 (ARVD8). Also called: ARRHYTHMOGENIC RIGHT VENTRICULAR DYSPLASIA, FAMILIAL, 8; ARRHYTHMOGENIC RIGHT VENTRICULAR CARDIOMYOPATHY 8; Arrhythmogenic Right Ventricular Dysplasia/Cardiomyopathy 8. Identifiers: MedGen C1843896, MONDO:0011831, OMIM 607450.
Arrhythmogenic cardiomyopathy with wooly hair and keratoderma. Also called: PALMOPLANTAR KERATODERMA WITH LEFT VENTRICULAR CARDIOMYOPATHY AND WOOLLY HAIR; Carvajal syndrome; Dilated cardiomyopathy with woolly hair and keratoderma; Arrhythmogenic cardiomyopathy with woolly hair and keratoderma. Identifiers: Orphanet 65282, MedGen C1854063, MONDO:0011581, OMIM 605676.

Submission:

Labcorp Genetics (formerly Invitae), Labcorp
Classification: Uncertain significance for Arrhythmogenic cardiomyopathy with wooly hair and keratoderma; Arrhythmogenic right ventricular dysplasia 8. Last evaluated: 2025-08-21. Review status: criteria provided, single submitter. Criteria: Invitae Variant Classification Sherloc (09022015). Collection method: clinical testing. Allele origin: germline.
Comment: This sequence change replaces proline, which is neutral and non-polar, with threonine, which is neutral and polar, at codon 2137 of the DSP protein (p.Pro2137Thr). This variant is not present in population databases (gnomAD no frequency). This variant has not been reported in the literature in individuals affected with DSP-related conditions. ClinVar contains an entry for this variant (Variation ID: 1424301). An algorithm developed to predict the effect of missense changes on protein structure and function (PolyPhen-2) suggests that this variant is likely to be disruptive. In summary, the available evidence is currently insufficient to determine the role of this variant in disease. Therefore, it has been classified as a Variant of Uncertain Significance.

NM_004415.4(DSP):c.6409C>A (p.Pro2137Thr)

Gene: DSP (desmoplakin; plus strand). Cytogenetic location: 6p24.3.
Variant type: single nucleotide variant.
Coding change: c.6409C>A on transcript NM_004415.4 (MANE Select); coding-DNA position 6409, C replaced by A.
Protein change: p.Pro2137Thr; replaces proline 2137 with threonine.
Molecular consequence: missense variant.
Genome position (GRCh38, 1-based): chr6:7,583,671, C>A. VCF-style: chr6-7583671-C-A. GRCh37 (hg19) VCF-style: chr6-7583904-C-A.
Other names: c.4612C>A, p.Pro1538Thr (NM_001008844.3); c.5080C>A, p.Pro1694Thr (NM_001319034.2); short protein forms P1538T, P1694T, P2137T.
Identifiers: ClinVar variation 1424301 (VCV001424301.6), dbSNP rs2113700303, ClinGen allele CA362690731.